The following is an entry in ClinVar:

NM_145207.3(AFG2A):c.2418T>A (p.Phe806Leu)

Gene: AFG2A (AAA ATPase AFG2A; plus strand). Cytogenetic location: 4q28.1.
Variant type: single nucleotide variant.
Coding change: c.2418T>A on transcript NM_145207.3 (MANE Select); coding-DNA position 2418, T replaced by A.
Protein change: p.Phe806Leu; replaces phenylalanine 806 with leucine.
Molecular consequence: missense variant.
Genome position (GRCh38, 1-based): chr4:123,256,093, T>A. VCF-style: chr4-123256093-T-A. GRCh37 (hg19) VCF-style: chr4-124177248-T-A.
Other names: c.2415T>A, p.Phe805Leu (NM_001345856.2); short protein forms F805L, F806L.
Identifiers: ClinVar variation 1516135 (VCV001516135.7), dbSNP rs2126144723, ClinGen allele CA358230668.

ClinVar aggregate classification (germline): Uncertain significance (1 of 4 stars; one submission).

Conditions:
Microcephaly-intellectual disability-sensorineural hearing loss-epilepsy-abnormal muscle tone syndrome (NEDHSB). Also called: NEURODEVELOPMENTAL DISORDER WITH HEARING LOSS, SEIZURES, AND BRAIN ABNORMALITIES. Identifiers: Orphanet 457351, MedGen C4225276, MONDO:0014698, OMIM 616577.

Submission:

Labcorp Genetics (formerly Invitae), Labcorp
Classification: Uncertain significance for Microcephaly-intellectual disability-sensorineural hearing loss-epilepsy-abnormal muscle tone syndrome. Last evaluated: 2024-07-29. Review status: criteria provided, single submitter. Criteria: Invitae Variant Classification Sherloc (09022015). Collection method: clinical testing. Allele origin: germline.
Comment: This sequence change replaces phenylalanine, which is neutral and non-polar, with leucine, which is neutral and non-polar, at codon 806 of the SPATA5 protein (p.Phe806Leu). This variant is not present in population databases (gnomAD no frequency). This variant has not been reported in the literature in individuals affected with SPATA5-related conditions. ClinVar contains an entry for this variant (Variation ID: 1516135). Advanced modeling of protein sequence and biophysical properties (such as structural, functional, and spatial information, amino acid conservation, physicochemical variation, residue mobility, and thermodynamic stability) performed at Invitae indicates that this missense variant is not expected to disrupt SPATA5 protein function with a negative predictive value of 95%. In summary, the available evidence is currently insufficient to determine the role of this variant in disease. Therefore, it has been classified as a Variant of Uncertain Significance.